The following is an entry in ClinVar:

NM_003242.6(TGFBR2):c.94+16263A>C

Gene: TGFBR2 (transforming growth factor beta receptor 2; plus strand). Cytogenetic location: 3p24.1.
Variant type: single nucleotide variant.
Coding change: c.94+16263A>C on transcript NM_003242.6 (MANE Select); 16263 bases into the intron after coding-DNA position 94, A replaced by C.
Molecular consequence: intron variant. On other transcripts: missense variant (5).
Genome position (GRCh38, 1-based): chr3:30,623,240, A>C. VCF-style: chr3-30623240-A-C. GRCh37 (hg19) VCF-style: chr3-30664732-A-C.
Other names: c.136A>C, p.Ser46Arg (NM_001024847.3, NM_001407126.1, NM_001407137.1 and 1 more transcripts); c.88A>C, p.Ser30Arg (NM_001407128.1); c.-148A>C (NM_001407133.1); c.-158A>C (NM_001407136.1); short protein forms S46R, S30R.
Identifiers: ClinVar variation 213912 (VCV000213912.14), dbSNP rs200111443, ClinGen allele CA050393.

ClinVar aggregate classification (germline): Conflicting classifications of pathogenicity. Review status: criteria provided, conflicting classifications (1 of 4 stars). 3 submissions from 3 submitters: Uncertain risk allele (1); Likely benign (2). Last evaluated 2024-03-06.

Conditions:
Diabetic retinopathy. Identifiers: MedGen C0011884, MONDO:0005266.
Familial thoracic aortic aneurysm and aortic dissection (TAAD). Also called: Thoracic aortic aneurysms and dissections. Identifiers: Orphanet 91387, MedGen C4707243, MONDO:0019625.

Allele frequency attached by ClinVar (database versions not stated): gnomAD 0.00006 and 0.00013; TOPMed 0.00011; gnomAD exomes 0.00013; ExAC 0.00016; 1000 Genomes Project 30x 0.00094; 1000 Genomes Project 0.00120.
gnomAD v4.1: 324 of 1,612,766 alleles (0.02%); highest among the groups gnomAD compares: East Asian, 0.7%; 4 homozygotes.

Submissions (3):

Labcorp Genetics (formerly Invitae), Labcorp
Classification: Likely benign for Familial thoracic aortic aneurysm and aortic dissection. Last evaluated: 2024-03-06. Review status: criteria provided, single submitter. Criteria: Invitae Variant Classification Sherloc (09022015). Collection method: clinical testing. Allele origin: germline.

GeneDx
Classification: Likely benign. Last evaluated: 2020-09-23. Review status: criteria provided, single submitter. Criteria: GeneDx Variant Classification Process June 2021. Collection method: clinical testing. Allele origin: germline. Affected: yes.
Comment: This variant is associated with the following publications: (PMID: 22001912)

Clinical Genomics, Uppaluri K&H Personalized Medicine Clinic
Classification: Uncertain risk allele for Diabetic retinopathy. Review status: criteria provided, single submitter. Criteria: K And H Uppaluri Personalized Medicine Clinic Variant Classification And Assertion Criteria Updated V 2. Collection method: research. Allele origin: unknown.
Comment: Potent mutations in TGFBR2 gene encodes the transforming growth factor that have been associated with angiogenesis and diabetic retinopathy. More clinical studies are needed for stronger association. However, more evidence is required to confer the association of this particular variant rs200111443 with diabetic retinopathy.

Literature cited by the submitters: PubMed 30222965 (cited by Clinical Genomics, Uppaluri K&H Personalized Medicine Clinic); PubMed 28162229 (cited by Clinical Genomics, Uppaluri K&H Personalized Medicine Clinic); PubMed 34572573 (cited by Clinical Genomics, Uppaluri K&H Personalized Medicine Clinic).